The following is an entry in ClinVar:

NM_001367624.2(ZNF469):c.5422G>A (p.Ala1808Thr)

Gene: ZNF469 (zinc finger protein 469; plus strand). Cytogenetic location: 16q24.2.
Variant type: single nucleotide variant.
Coding change: c.5422G>A on transcript NM_001367624.2 (MANE Select); coding-DNA position 5422, G replaced by A.
Protein change: p.Ala1808Thr; replaces alanine 1808 with threonine.
Molecular consequence: missense variant.
Genome position (GRCh38, 1-based): chr16:88,432,892, G>A. VCF-style: chr16-88432892-G-A. GRCh37 (hg19) VCF-style: chr16-88499300-G-A.
Other names: NM_001127464.1:c.5338G>A; NM_001127464.2:c.5338G>A; short protein forms A1808T.
Identifiers: ClinVar variation 3476271 (VCV003476271.2).

ClinVar aggregate classification (germline): Uncertain significance. Review status: criteria provided, multiple submitters, no conflicts (2 of 4 stars). 2 submissions from 2 submitters: Uncertain significance (2). Last evaluated 2024-11-10.

Conditions:
Brittle cornea syndrome 1 (BCS1). Also called: CORNEAL FRAGILITY, KERATOGLOBUS, BLUE SCLERAE, JOINT HYPEREXTENSIBILITY; EDS6B; FRAGILITAS OCULI WITH JOINT HYPEREXTENSIBILITY; Corneal fragility keratoglobus, blue sclerae AND joint hypermobility; DYSGENESIS MESODERMALIS CORNEAE ET SCLERAE. Identifiers: Orphanet 90354, MedGen C0268344, MONDO:0024543, OMIM 229200.
Cardiovascular phenotype. Identifiers: MedGen CN230736.

gnomAD v4.1: 8 of 1,550,372 alleles (0.00052%); highest among the groups gnomAD compares: Non-Finnish European, 0.0007%; no homozygotes.

Submissions (2):

Ambry Genetics
Classification: Uncertain significance for Cardiovascular phenotype. Last evaluated: 2024-11-10. Review status: criteria provided, single submitter. Criteria: Ambry Variant Classification Scheme 2023. Collection method: clinical testing. Allele origin: germline.
Comment: The p.A1780T variant (also known as c.5338G>A), located in coding exon 2 of the ZNF469 gene, results from a G to A substitution at nucleotide position 5338. The alanine at codon 1780 is replaced by threonine, an amino acid with similar properties. This amino acid position is conserved. In addition, this alteration is predicted to be tolerated by in silico analysis. Based on the available evidence, the clinical significance of this variant remains unclear.

Department of Pathology and Laboratory Medicine, Sinai Health System
Classification: Uncertain significance for Brittle cornea syndrome 1. Last evaluated: 2019-10-24. Review status: criteria provided, single submitter. Criteria: ACMG Guidelines, 2015. Collection method: research. Allele origin: germline.